The following is an entry in ClinVar:

ClinVar aggregate classification (germline): Likely benign. Review status: criteria provided, single submitter (1 of 4 stars). 2 submissions from 2 submitters: Likely benign (1). 1 of the submissions does not count toward it. Last evaluated 2026-02-02.

Conditions:
PIGN-related disorder. Also called: PIGN-related condition.
Multiple congenital anomalies-hypotonia-seizures syndrome 1 (MCAHS1). Also called: Congenital disorder of glycosylation due to PIGN deficiency; PIGN-CDG; GLYCOSYLPHOSPHATIDYLINOSITOL BIOSYNTHESIS DEFECT 3. Identifiers: Orphanet 280633, MedGen C3279775, MONDO:0013563, OMIM 614080.

Allele frequency attached by ClinVar (database versions not stated): ExAC 0.00001; gnomAD exomes 0.00002; TOPMed 0.00005; ESP Exome Variant Server 0.00008; gnomAD 0.00010.
gnomAD v4.1: 152 of 1,613,478 alleles (0.0094%); highest among the groups gnomAD compares: Non-Finnish European, 0.012%; no homozygotes.

Submissions (2):

Labcorp Genetics (formerly Invitae), Labcorp
Classification: Likely benign for Multiple congenital anomalies-hypotonia-seizures syndrome 1. Last evaluated: 2026-02-02. Review status: criteria provided, single submitter. Criteria: Invitae Variant Classification Sherloc (09022015). Collection method: clinical testing. Allele origin: germline.

PreventionGenetics, part of Exact Sciences
Classification: Likely benign for PIGN-related condition. Last evaluated: 2023-05-23. Review status: no assertion criteria provided. Collection method: clinical testing. Allele origin: germline. Not counted in ClinVar's aggregate classification.
Comment: This variant is classified as likely benign based on ACMG/AMP sequence variant interpretation guidelines (Richards et al. 2015 PMID: 25741868, with internal and published modifications).

NM_176787.5(PIGN):c.51C>T (p.Ala17=)

Gene: PIGN (phosphatidylinositol glycan anchor biosynthesis class N; minus strand). Cytogenetic location: 18q21.33.
Variant type: single nucleotide variant.
Coding change: c.51C>T on transcript NM_176787.5 (MANE Select); coding-DNA position 51, C replaced by T.
Protein change: p.Ala17=; no amino-acid change (alanine 17 retained).
Molecular consequence: synonymous variant.
Genome position (GRCh38, 1-based): chr18:62,161,303, G>A on the plus strand (C>T on the coding strand, the complement: PIGN is on the minus strand). VCF-style: chr18-62161303-G-A. GRCh37 (hg19) VCF-style: chr18-59828536-G-A.
Other names: c.51C>T, p.Ala17= (NM_012327.6).
Identifiers: ClinVar variation 742711 (VCV000742711.12), dbSNP rs370228697, ClinGen allele CA8982666.